The following is an entry in ClinVar:

NM_001164508.2(NEB):c.22248G>A (p.Met7416Ile)

Genes: NEB (nebulin; minus strand), RIF1 (replication timing regulatory factor 1; plus strand). Cytogenetic location: 2q23.3.
Variant type: single nucleotide variant.
Coding change: c.22248G>A on transcript NM_001164508.2 (MANE Select); coding-DNA position 22248, G replaced by A.
Protein change: p.Met7416Ile; replaces methionine 7416 with isoleucine.
Molecular consequence: missense variant.
Genome position (GRCh38, 1-based): chr2:151,525,187, C>T on the plus strand (G>A on the coding strand, the complement: NEB is on the minus strand). VCF-style: chr2-151525187-C-T. GRCh37 (hg19) VCF-style: chr2-152381701-C-T.
Other names: c.22248G>A, p.Met7416Ile (NM_001164507.2); c.22353G>A, p.Met7451Ile (NM_001271208.2); c.17145G>A, p.Met5715Ile (NM_004543.5); short protein forms M5715I, M7416I, M7451I.
Identifiers: ClinVar variation 4737281 (VCV004737281.1).
Genomic context (GRCh38, chr2:151,525,187, plus strand): 5'-AATGGGCCCCCAAGAGTGTTGAGAGGGAAAACTTACATCACTTTGCTTCTTGGCCACTTC[C>T]ATAGCATGTTTCACCTCTGGTGGCTCCAGCATGATGGAGTAGTTGGATTTTCCTTTCTCC-3'
Protein context (NP_001157980.2, residues 7406-7426): MLEPPEVKHA[Met7416Ile]EVAKKQSDVA

ClinVar aggregate classification (germline): Uncertain significance (1 of 4 stars; one submission).

Conditions:
Nemaline myopathy 2 (NEM2). Also called: Nemaline myopathy 2, autosomal recessive. Identifiers: MedGen C1850569, MONDO:0009725, OMIM 256030.

Submission:

Labcorp Genetics (formerly Invitae), Labcorp
Classification: Uncertain significance for Nemaline myopathy 2. Last evaluated: 2025-08-07. Review status: criteria provided, single submitter. Criteria: Invitae Variant Classification Sherloc (09022015). Collection method: clinical testing. Allele origin: germline.
Comment: This sequence change replaces methionine, which is neutral and non-polar, with isoleucine, which is neutral and non-polar, at codon 7451 of the NEB protein (p.Met7451Ile). This variant is not present in population databases (gnomAD no frequency). This variant has not been reported in the literature in individuals affected with NEB-related conditions. An algorithm developed to predict the effect of missense changes on protein structure and function outputs the following: PolyPhen-2: "Not Available". The isoleucine amino acid residue is found in multiple mammalian species, which suggests that this missense change does not adversely affect protein function. In summary, the available evidence is currently insufficient to determine the role of this variant in disease. Therefore, it has been classified as a Variant of Uncertain Significance.